The following is an entry in ClinVar:

NM_001012720.2(RGR):c.796G>A (p.Ala266Thr)

Gene: RGR (retinal G protein coupled receptor; plus strand). Cytogenetic location: 10q23.1.
Variant type: single nucleotide variant.
Coding change: c.796G>A on transcript NM_001012720.2 (MANE Select); coding-DNA position 796, G replaced by A.
Protein change: p.Ala266Thr; replaces alanine 266 with threonine.
Molecular consequence: missense variant.
Genome position (GRCh38, 1-based): chr10:84,258,559, G>A. VCF-style: chr10-84258559-G-A. GRCh37 (hg19) VCF-style: chr10-86018315-G-A.
Other names: c.682G>A, p.Ala228Thr (NM_001012722.2); c.808G>A, p.Ala270Thr (NM_002921.4); short protein forms A228T, A266T, A270T.
Identifiers: ClinVar variation 4721241 (VCV004721241.1).
Genomic context (GRCh38, chr10:84,258,559, plus strand): 5'-CCACAACAGGTGCCCGCCCTCATTGCCAAAATGGTGCCCACGATCAATGCCATCAACTAT[G>A]CCCTGGGCAATGAGATGGTCTGCAGGGGAATCTGGCAGTGCCTCTCACCGCAGAAGAGGG-3'
Protein context (NP_001012738.1, residues 256-276): MVPTINAINY[Ala266Thr]LGNEMVCRGI

ClinVar aggregate classification (germline): Uncertain significance (1 of 4 stars; one submission).

gnomAD v4.1: 1 of 1,614,204 alleles (0.000062%); highest among the groups gnomAD compares: Non-Finnish European, 0.000085%; no homozygotes.

Submission:

Labcorp Genetics (formerly Invitae), Labcorp
Classification: Uncertain significance. Last evaluated: 2025-06-17. Review status: criteria provided, single submitter. Criteria: Invitae Variant Classification Sherloc (09022015). Collection method: clinical testing. Allele origin: germline.
Comment: This sequence change replaces alanine, which is neutral and non-polar, with threonine, which is neutral and polar, at codon 266 of the RGR protein (p.Ala266Thr). This variant is not present in population databases (gnomAD no frequency). This variant has not been reported in the literature in individuals affected with RGR-related conditions. An algorithm developed to predict the effect of missense changes on protein structure and function outputs the following: PolyPhen-2: "Not Available". The threonine amino acid residue is found in multiple mammalian species, which suggests that this missense change does not adversely affect protein function. In summary, the available evidence is currently insufficient to determine the role of this variant in disease. Therefore, it has been classified as a Variant of Uncertain Significance.